The following is an entry in ClinVar:

NM_139058.3(ARX):c.347C>T (p.Thr116Met)

Genes: ARX (aristaless related homeobox; minus strand), LOC109610631 (aristaless related homeobox polyalanine expansion region; plus strand). Cytogenetic location: Xp21.3.
Variant type: single nucleotide variant.
Coding change: c.347C>T on transcript NM_139058.3 (MANE Select); coding-DNA position 347, C replaced by T.
Protein change: p.Thr116Met; replaces threonine 116 with methionine.
Molecular consequence: missense variant.
Genome position (GRCh38, 1-based): chrX:25,013,648, G>A on the plus strand (C>T on the coding strand, the complement: ARX is on the minus strand). VCF-style: chrX-25013648-G-A. GRCh37 (hg19) VCF-style: chrX-25031765-G-A.
Other names: short protein forms T116M.
Identifiers: ClinVar variation 1714909 (VCV001714909.6), dbSNP rs1373827729, ClinGen allele CA412613366.
Genomic context (GRCh38, chrX:25,013,648, plus strand): 5'-CCGGGCCGCGCGGTTGGCGGTGGCGGCGGAGGGGCCTCCCCGCGTGGACCCGCCGTGGCC[G>A]TGGCGGCCGCTGCCGCCGCCGCCGCCGCCGCCGCCGCCGCCGCTGCCGCACCCTGAAGGA-3'
Protein context (NP_620689.1, residues 106-126): AAAAAAAAAA[Thr116Met]ATAGPRGEAP

ClinVar aggregate classification (germline): Uncertain significance (1 of 4 stars; one submission).

Conditions:
Developmental and epileptic encephalopathy, 1 (DEE1). Also called: X-linked infantile spasms; West's syndrome; Tonic spasms with clustering, arrest of psychomotor development and hypsarrhythmia on EEG; X-Linked Infantile Spasm Syndrome; OHTAHARA SYNDROME, X-LINKED; Epileptic encephalopathy, early infantile, 1. Identifiers: MedGen C3463992, MONDO:0010632, OMIM 308350. Disease mechanism: loss of function.
Intellectual disability, X-linked, with or without seizures, ARX-related. Also called: Mental retardation, X-linked 52; MENTAL RETARDATION, X-LINKED 29; MENTAL RETARDATION, X-LINKED 32; MENTAL RETARDATION, X-LINKED 33; MENTAL RETARDATION, X-LINKED 38; MENTAL RETARDATION, X-LINKED 43. Identifiers: Orphanet 777, MedGen C0796244, MONDO:0010317, OMIM 300419.

Submission:

Labcorp Genetics (formerly Invitae), Labcorp
Classification: Uncertain significance for Developmental and epileptic encephalopathy, 1; Intellectual disability, X-linked, with or without seizures, ARX-related. Last evaluated: 2023-10-03. Review status: criteria provided, single submitter. Criteria: Invitae Variant Classification Sherloc (09022015). Collection method: clinical testing. Allele origin: germline.
Comment: This sequence change replaces threonine, which is neutral and polar, with methionine, which is neutral and non-polar, at codon 116 of the ARX protein (p.Thr116Met). The frequency data for this variant in the population databases is considered unreliable, as metrics indicate insufficient coverage at this position in the gnomAD database. This variant has not been reported in the literature in individuals affected with ARX-related conditions. ClinVar contains an entry for this variant (Variation ID: 1714909). Advanced modeling of protein sequence and biophysical properties (such as structural, functional, and spatial information, amino acid conservation, physicochemical variation, residue mobility, and thermodynamic stability) performed at Invitae indicates that this missense variant is not expected to disrupt ARX protein function. In summary, the available evidence is currently insufficient to determine the role of this variant in disease. Therefore, it has been classified as a Variant of Uncertain Significance.